The following is an entry in ClinVar:

ClinVar aggregate classification (germline): Uncertain significance. Review status: criteria provided, multiple submitters, no conflicts (2 of 4 stars). 2 submissions from 2 submitters: Uncertain significance (2). Last evaluated 2024-09-02.

Conditions:
Charcot-Marie-Tooth disease type 2. Also called: Charcot-Marie-Tooth type 2. Identifiers: Orphanet 64746, MedGen C0270914, MONDO:0018993.

Submissions (2):

Ambry Genetics
Classification: Uncertain significance. Last evaluated: 2024-09-02. Review status: criteria provided, single submitter. Criteria: Ambry Variant Classification Scheme 2023. Collection method: clinical testing. Allele origin: germline.
Comment: The p.R675Q variant (also known as c.2024G>A), located in coding exon 20 of the KIF1B gene, results from a G to A substitution at nucleotide position 2024. The arginine at codon 675 is replaced by glutamine, an amino acid with highly similar properties. This amino acid position is well conserved in available vertebrate species. In addition, this alteration is predicted to be tolerated by in silico analysis. Since supporting evidence is limited at this time, the clinical significance of this alteration remains unclear.

Labcorp Genetics (formerly Invitae), Labcorp
Classification: Uncertain significance for Charcot-Marie-Tooth disease type 2. Last evaluated: 2023-10-16. Review status: criteria provided, single submitter. Criteria: Invitae Variant Classification Sherloc (09022015). Collection method: clinical testing. Allele origin: germline.
Comment: This sequence change replaces arginine, which is basic and polar, with glutamine, which is neutral and polar, at codon 675 of the KIF1B protein (p.Arg675Gln). This variant is present in population databases (rs763303622, gnomAD 0.003%). This variant has not been reported in the literature in individuals affected with KIF1B-related conditions. ClinVar contains an entry for this variant (Variation ID: 1784629). Advanced modeling of protein sequence and biophysical properties (such as structural, functional, and spatial information, amino acid conservation, physicochemical variation, residue mobility, and thermodynamic stability) performed at Invitae indicates that this missense variant is not expected to disrupt KIF1B protein function. In summary, the available evidence is currently insufficient to determine the role of this variant in disease. Therefore, it has been classified as a Variant of Uncertain Significance.

NM_001365951.3(KIF1B):c.2162G>A (p.Arg721Gln)

Gene: KIF1B (kinesin family member 1B; plus strand). Cytogenetic location: 1p36.22.
Variant type: single nucleotide variant.
Coding change: c.2162G>A on transcript NM_001365951.3 (MANE Select); coding-DNA position 2162, G replaced by A.
Protein change: p.Arg721Gln; replaces arginine 721 with glutamine.
Molecular consequence: missense variant.
Genome position (GRCh38, 1-based): chr1:10,320,089, G>A. VCF-style: chr1-10320089-G-A. GRCh37 (hg19) VCF-style: chr1-10380147-G-A.
Other names: c.2162G>A, p.Arg721Gln (NM_001365952.1); c.2024G>A, p.Arg675Gln (NM_015074.3); short protein forms R721Q, R675Q.
Identifiers: ClinVar variation 1784629 (VCV001784629.6), dbSNP rs763303622, ClinGen allele CA581462.